The following is an entry in ClinVar:

NM_003680.4(YARS1):c.277C>T (p.Arg93Ter)

Gene: YARS1 (tyrosyl-tRNA synthetase 1; minus strand). Cytogenetic location: 1p35.1.
Variant type: single nucleotide variant.
Coding change: c.277C>T on transcript NM_003680.4 (MANE Select); coding-DNA position 277, C replaced by T.
Protein change: p.Arg93Ter; replaces arginine 93 with a stop codon.
Molecular consequence: nonsense.
Genome position (GRCh38, 1-based): chr1:32,810,694, G>A on the plus strand (C>T on the coding strand, the complement: YARS1 is on the minus strand). VCF-style: chr1-32810694-G-A. GRCh37 (hg19) VCF-style: chr1-33276295-G-A.
Other names: short protein forms R93*.
Identifiers: ClinVar variation 944959 (VCV000944959.9), dbSNP rs781579762, ClinGen allele CA745237.
Genomic context (GRCh38, chr1:32,810,694, plus strand): 5'-CCAAGGGCACACCAATGCTCTCCAGCATTGCTTTGATCACATTCTCATAGTAACTGACTC[G>A]GAGTTCTAGAAGTTCCCATGGGGCTTTCATGTTATCCAGGTATGCGTGGAGGTCCGCAAA-3'

ClinVar aggregate classification (germline): Uncertain significance. Review status: criteria provided, multiple submitters, no conflicts (2 of 4 stars). 3 submissions from 3 submitters: Uncertain significance (3). Last evaluated 2025-12-29.

Conditions:
Charcot-Marie-Tooth disease dominant intermediate C (CMTDIC). Also called: CHARCOT-MARIE-TOOTH NEUROPATHY, DOMINANT INTERMEDIATE C. Identifiers: Orphanet 100045, MedGen C1842237, MONDO:0012012, OMIM 608323.

Allele frequency attached by ClinVar (database versions not stated): ExAC 0.00001; gnomAD exomes 0.00001 and 0.00002.

Submissions (3):

Labcorp Genetics (formerly Invitae), Labcorp
Classification: Uncertain significance for Charcot-Marie-Tooth disease dominant intermediate C. Last evaluated: 2025-12-29. Review status: criteria provided, single submitter. Criteria: Invitae Variant Classification Sherloc (09022015). Collection method: clinical testing. Allele origin: germline.
Comment: This sequence change creates a premature translational stop signal (p.Arg93*) in the YARS gene. It is expected to result in an absent or disrupted protein product. However, the current clinical and genetic evidence is not sufficient to establish whether loss-of-function variants in YARS cause disease. This variant is present in population databases (rs781579762, gnomAD 0.006%). This variant has not been reported in the literature in individuals affected with YARS-related conditions. ClinVar contains an entry for this variant (Variation ID: 944959). In summary, the available evidence is currently insufficient to determine the role of this variant in disease. Therefore, it has been classified as a Variant of Uncertain Significance.

GeneDx
Classification: Uncertain significance. Last evaluated: 2024-05-30. Review status: criteria provided, single submitter. Criteria: GeneDx Variant Classification Process June 2021. Collection method: clinical testing. Allele origin: germline. Affected: yes.
Comment: Nonsense variant predicted to result in protein truncation or nonsense mediated decay in a gene or region of a gene for which loss of function is not a well-established mechanism of disease; Has not been previously published as pathogenic or benign to our knowledge

Athena Diagnostics
Classification: Uncertain significance. Last evaluated: 2023-03-10. Review status: criteria provided, single submitter. Criteria: Athena Diagnostics Criteria. Collection method: clinical testing. Allele origin: unknown.
Comment: Available data are insufficient to determine the clinical significance of the variant at this time. The frequency of this variant in the general population is uninformative in assessment of its pathogenicity. This variant is predicted to create a premature stop codon and disrupt protein expression; however, the clinical relevance of such variants in this gene has not been established. Therefore, the effect of this variant on protein expression and function is uncertain. This variant has been seen in at least one individual with clinical features consistent with disease associated with this gene.